The following is an entry in ClinVar:

ClinVar aggregate classification (germline): Uncertain significance. Review status: criteria provided, multiple submitters, no conflicts (2 of 4 stars). 2 submissions from 2 submitters: Uncertain significance (2). Last evaluated 2023-09-25.

Conditions:
Hereditary cancer-predisposing syndrome. Also called: Neoplastic Syndromes, Hereditary; Tumor predisposition; Hereditary neoplastic syndrome; Hereditary Cancer Syndrome. Identifiers: Orphanet 140162, MedGen C0027672, MeSH D009386, MONDO:0015356.
Microcephaly, normal intelligence and immunodeficiency (NBS). Also called: IMMUNODEFICIENCY, MICROCEPHALY, AND CHROMOSOMAL INSTABILITY; SEEMANOVA SYNDROME II; Nijmegen breakage syndrome; Microcephaly with normal intelligence immunodeficiency and lymphoreticular malignancies; Nonsyndromal microcephaly autosomal recessive with normal intelligence; Seemanova syndrome 2. Identifiers: Orphanet 647, MedGen C0398791, MONDO:0009623, OMIM 251260.

Submissions (2):

Labcorp Genetics (formerly Invitae), Labcorp
Classification: Uncertain significance for Microcephaly, normal intelligence and immunodeficiency. Last evaluated: 2023-09-25. Review status: criteria provided, single submitter. Criteria: Invitae Variant Classification Sherloc (09022015). Collection method: clinical testing. Allele origin: germline.
Comment: This sequence change replaces isoleucine, which is neutral and non-polar, with valine, which is neutral and non-polar, at codon 290 of the NBN protein (p.Ile290Val). This variant is present in population databases (no rsID available, gnomAD 0.0009%). This variant has not been reported in the literature in individuals affected with NBN-related conditions. ClinVar contains an entry for this variant (Variation ID: 1764304). Algorithms developed to predict the effect of missense changes on protein structure and function output the following: SIFT: "Not Available"; PolyPhen-2: "Benign"; Align-GVGD: "Not Available". The valine amino acid residue is found in multiple mammalian species, which suggests that this missense change does not adversely affect protein function. In summary, the available evidence is currently insufficient to determine the role of this variant in disease. Therefore, it has been classified as a Variant of Uncertain Significance.

Ambry Genetics
Classification: Uncertain significance for Hereditary cancer-predisposing syndrome. Last evaluated: 2022-08-23. Review status: criteria provided, single submitter. Criteria: Ambry Variant Classification Scheme 2023. Collection method: clinical testing. Allele origin: germline.
Comment: The p.I290V variant (also known as c.868A>G), located in coding exon 7 of the NBN gene, results from an A to G substitution at nucleotide position 868. The isoleucine at codon 290 is replaced by valine, an amino acid with highly similar properties. This amino acid position is conserved. In addition, this alteration is predicted to be tolerated by in silico analysis. Since supporting evidence is limited at this time, the clinical significance of this alteration remains unclear.

NM_002485.5(NBN):c.868A>G (p.Ile290Val)

Gene: NBN (nibrin; minus strand). Cytogenetic location: 8q21.3.
Variant type: single nucleotide variant.
Coding change: c.868A>G on transcript NM_002485.5 (MANE Select); coding-DNA position 868, A replaced by G.
Protein change: p.Ile290Val; replaces isoleucine 290 with valine.
Molecular consequence: missense variant.
Genome position (GRCh38, 1-based): chr8:89,970,392, T>C on the plus strand (A>G on the coding strand, the complement: NBN is on the minus strand). VCF-style: chr8-89970392-T-C. GRCh37 (hg19) VCF-style: chr8-90982620-T-C.
Other names: c.622A>G, p.Ile208Val (NM_001024688.3); short protein forms I208V, I290V.
Identifiers: ClinVar variation 1764304 (VCV001764304.5), dbSNP rs1439418573, ClinGen allele CA371658311.